The following is an entry in ClinVar:

ClinVar aggregate classification (germline): Pathogenic (1 of 4 stars; one submission).

Submission:

Labcorp Genetics (formerly Invitae), Labcorp
Classification: Pathogenic. Last evaluated: 2025-12-26. Review status: criteria provided, single submitter. Criteria: Invitae Variant Classification Sherloc (09022015). Collection method: clinical testing. Allele origin: germline.
Comment: This sequence change creates a premature translational stop signal (p.Cys445Leufs*2) in the SCNN1A gene. It is expected to result in an absent or disrupted protein product. Loss-of-function variants in SCNN1A are known to be pathogenic (PMID: 10403853, 23416952). This variant is not present in population databases (gnomAD no frequency). This variant has not been reported in the literature in individuals affected with SCNN1A-related conditions. For these reasons, this variant has been classified as Pathogenic.

Literature cited by the submitters: PubMed 10403853; PubMed 23416952.

NM_001038.6(SCNN1A):c.1332dup (p.Cys445fs)

Gene: SCNN1A (sodium channel epithelial 1 subunit alpha; minus strand). Cytogenetic location: 12p13.31.
Variant type: Duplication.
Coding change: c.1332dup on transcript NM_001038.6 (MANE Select); coding-DNA position 1332, one base duplicated (C; older notation c.1332dupC).
Protein change: p.Cys445fs; shifts the reading frame from cysteine 445.
Molecular consequence: frameshift variant.
Genome position (GRCh38, 1-based): chr12:6,354,466, G duplicated on the plus strand (C on the coding strand, the reverse complement: SCNN1A is on the minus strand). VCF-style (leftmost placement, unchanged base first): chr12-6354465-A-AG. GRCh37 (hg19) VCF-style: chr12-6463631-A-AG.
Other names: c.1401dup, p.Cys468fs (NM_001159575.2); c.1509dup, p.Cys504fs (NM_001159576.2); short protein forms C445fs, C468fs, C504fs.
Identifiers: ClinVar variation 4733533 (VCV004733533.1).